The following is an entry in ClinVar:

NM_024426.6(WT1):c.676A>T (p.Thr226Ser)

Gene: WT1 (WT1 transcription factor; minus strand). Cytogenetic location: 11p13.
Variant type: single nucleotide variant.
Coding change: c.676A>T on transcript NM_024426.6 (MANE Select); coding-DNA position 676, A replaced by T.
Protein change: p.Thr226Ser; replaces threonine 226 with serine.
Molecular consequence: missense variant. On other transcripts: 5 prime UTR variant (1), non-coding transcript variant (2), intron variant (2).
Genome position (GRCh38, 1-based): chr11:32,428,605, T>A on the plus strand (A>T on the coding strand, the complement: WT1 is on the minus strand). VCF-style: chr11-32428605-T-A. GRCh37 (hg19) VCF-style: chr11-32450151-T-A.
Other names: c.676A>T, p.Thr226Ser (NM_000378.6, NM_001407044.1, NM_001407045.1 and 4 more transcripts); c.25A>T, p.Thr9Ser (NM_001198551.2, NM_001198552.2); c.-87A>T (NM_001407051.1); c.457A>T, p.Thr153Ser (NM_001429031.1, NM_001429032.1, NM_001429033.1 and 1 more transcripts); c.662-547A>T (NM_001407050.1, NM_001407047.1); short protein forms T153S, T221S, T226S, T9S.
Identifiers: ClinVar variation 3817446 (VCV003817446.1).
Genomic context (GRCh38, chr11:32,428,605, plus strand): 5'-TGGGGAACTGCGCCGCATGGTGCGAGGGCGTGTGACCGTAGCTGGGCGTCCCGTCGAAGG[T>A]GACCGTGCTGTAACCTGCGGGAGCGGCGGAGAGAAGCACAGTGTCAGCGGTGCTCTCGCA-3'
Protein context (NP_077744.4, residues 216-236): AIRNQGYSTV[Thr226Ser]FDGTPSYGHT

ClinVar aggregate classification (germline): Uncertain significance (1 of 4 stars; one submission).

Conditions:
Inborn genetic diseases. Identifiers: MedGen C0950123, MeSH D030342.

Submission:

Ambry Genetics
Classification: Uncertain significance for Inborn genetic diseases. Last evaluated: 2024-12-12. Review status: criteria provided, single submitter. Criteria: Ambry Variant Classification Scheme 2023. Collection method: clinical testing. Allele origin: germline.
Comment: The p.T221S variant (also known as c.661A>T), located in coding exon 2 of the WT1 gene, results from an A to T substitution at nucleotide position 661. The threonine at codon 221 is replaced by serine, an amino acid with similar properties. This amino acid position is conserved. In addition, this alteration is predicted to be tolerated by in silico analysis. Based on the available evidence, the clinical significance of this variant remains unclear.